The following is an entry in ClinVar:

ClinVar aggregate classification (germline): Benign (1 of 4 stars; one submission).

Submission:

GeneDx
Classification: Benign. Last evaluated: 2018-06-14. Review status: criteria provided, single submitter. Criteria: GeneDx Variant Classification (06012015). Collection method: clinical testing. Allele origin: germline. Affected: yes.
Comment: This variant is considered likely benign or benign based on one or more of the following criteria: it is a conservative change, it occurs at a poorly conserved position in the protein, it is predicted to be benign by multiple in silico algorithms, and/or has population frequency not consistent with disease.

NM_000138.5(FBN1):c.7819+184del

Gene: FBN1 (fibrillin 1; minus strand). Cytogenetic location: 15q21.1.
Variant type: Deletion.
Coding change: c.7819+184del on transcript NM_000138.5 (MANE Select); 184 bases into the intron after coding-DNA position 7819, one base deleted (A; older notation c.7819+184delA).
Molecular consequence: intron variant.
Genome position (GRCh38, 1-based): chr15:48,420,503, T deleted on the plus strand (A on the coding strand, the reverse complement: FBN1 is on the minus strand); the first of 8 consecutive T bases (chr15:48,420,503-48,420,510); deleting any one gives the same sequence. VCF-style (leftmost placement, unchanged base first): chr15-48420502-AT-A. GRCh37 (hg19) VCF-style: chr15-48712699-AT-A.
Identifiers: ClinVar variation 672315 (VCV000672315.1), dbSNP rs3214528, ClinGen allele CA269519563.
Genomic context (GRCh38, chr15:48,420,502, plus strand): 5'-CGCTTCAAGAAATTCTGGGGGCATTTCATTTCAGATGCTCTCAAAGCACCCTCAATTATA[AT>A]TTTTTTTCTTAGTTTGCTGTTTTGCAAAGACTGTTACTTACCTCGGGTTTCAACCAGGTT-3'